The following is an entry in ClinVar:

NM_201384.3(PLEC):c.13509C>T (p.Arg4503=)

Gene: PLEC (plectin; minus strand). Cytogenetic location: 8q24.3.
Variant type: single nucleotide variant.
Coding change: c.13509C>T on transcript NM_201384.3 (MANE Select); coding-DNA position 13509, C replaced by T.
Protein change: p.Arg4503=; no amino-acid change (arginine 4503 retained).
Molecular consequence: synonymous variant.
Genome position (GRCh38, 1-based): chr8:143,916,312, G>A on the plus strand (C>T on the coding strand, the complement: PLEC is on the minus strand). VCF-style: chr8-143916312-G-A. GRCh37 (hg19) VCF-style: chr8-144990480-G-A.
Other names: c.13590C>T, p.Arg4530= (NM_000445.5); c.13467C>T, p.Arg4489= (NM_201378.4); c.13443C>T, p.Arg4481= (NM_201379.3); c.13920C>T, p.Arg4640= (NM_201380.4); c.13413C>T, p.Arg4471= (NM_201381.3); c.13509C>T, p.Arg4503= (NM_201382.4); c.13521C>T, p.Arg4507= (NM_201383.3).
Identifiers: ClinVar variation 282203 (VCV000282203.48), dbSNP rs190789703, ClinGen allele CA4923772.
Genomic context (GRCh38, chr8:143,916,312, plus strand): 5'-GGAGTAGGAGGATGAAGAGAAGGTCATGGAGAAGCCGGAGCCGGTGGCGTCAAAGCTGCC[G>A]CGGCGGGAGCCGGCCCGGGAGCCGGTGCGCGAGCCGGTGCGGGAGCCAGCGGTAGAGCCG-3'
Protein context (NP_958786.1, residues 4493-4513): SRTGSRAGSR[Arg4503=]GSFDATGSGF

ClinVar aggregate classification (germline): Conflicting classifications of pathogenicity. Review status: criteria provided, conflicting classifications (1 of 4 stars). 6 submissions from 6 submitters: Uncertain significance (1); Likely benign (4). 1 of the submissions does not count toward it. Last evaluated 2026-02-01.

Conditions:
Epidermolysis bullosa simplex, Ogna type (EBS5A). Also called: Pidermolysis bullosa simplex 5A, Ogna type; EPIDERMOLYSIS BULLOSA SIMPLEX 5A, OGNA TYPE. Identifiers: Orphanet 79401, MedGen C0432317, MONDO:0007555, OMIM 131950.
Epidermolysis bullosa simplex with nail dystrophy (EBS5D). Identifiers: MedGen C4225309, MONDO:0014661, OMIM 616487.
Autosomal recessive limb-girdle muscular dystrophy type 2Q (LGMDR17). Also called: MUSCULAR DYSTROPHY, LIMB-GIRDLE, AUTOSOMAL RECESSIVE 17. Identifiers: Orphanet 254361, MedGen C3150989, MONDO:0013390, OMIM 613723.
Epidermolysis bullosa simplex 5C, with pyloric atresia (EBS5C). Also called: Epidermolysis bullosa simplex with pyloric atresia; PLEC1-Related Epidermolysis Bullosa with Pyloric Atresia; PLEC-Related Epidermolysis Bullosa with Pyloric Atresia. Identifiers: Orphanet 158684, MedGen C2677349, MONDO:0012807, OMIM 612138.
Epidermolysis bullosa simplex 5B, with muscular dystrophy (EBS5B). Also called: Epidermolysis bullosa simplex with muscular dystrophy; EPIDERMOLYSIS BULLOSA SIMPLEX AND LIMB-GIRDLE MUSCULAR DYSTROPHY. Identifiers: Orphanet 257, MedGen C2931072, MONDO:0009181, OMIM 226670.
PLEC-related disorder. Also called: PLEC-related disorders; PLEC-related condition.

Allele frequency attached by ClinVar (database versions not stated): 1000 Genomes Project 30x 0.00031; TOPMed 0.00043; gnomAD exomes 0.00044 and 0.00063; gnomAD 0.00053 and 0.00056; ExAC 0.00100.
gnomAD v4.1: 964 of 1,582,088 alleles (0.061%); highest among the groups gnomAD compares: Non-Finnish European, 0.078%; no homozygotes.

Submissions (6):

Labcorp Genetics (formerly Invitae), Labcorp
Classification: Likely benign for Autosomal recessive limb-girdle muscular dystrophy type 2Q; Epidermolysis bullosa simplex, Ogna type; Epidermolysis bullosa simplex with nail dystrophy; Epidermolysis bullosa simplex 5C, with pyloric atresia; Epidermolysis bullosa simplex 5B, with muscular dystrophy. Last evaluated: 2026-02-01. Review status: criteria provided, single submitter. Criteria: Invitae Variant Classification Sherloc (09022015). Collection method: clinical testing. Allele origin: germline.

Blueprint Genetics
Classification: Likely benign. Last evaluated: 2024-08-16. Review status: criteria provided, single submitter. Criteria: ACMG Guidelines, 2015. Collection method: clinical testing. Allele origin: germline.

CeGaT Center for Human Genetics Tuebingen
Classification: Likely benign. Last evaluated: 2024-05-01. Review status: criteria provided, single submitter. Criteria: CeGaT Center For Human Genetics Tuebingen Variant Classification Criteria Version 2. Collection method: clinical testing. Allele origin: germline. Affected: yes. Observed: 2 variant alleles.
Comment: PLEC: BP4, BP7

GeneDx
Classification: Likely benign. Last evaluated: 2019-04-05. Review status: criteria provided, single submitter. Criteria: GeneDx Variant Classification Process June 2021. Collection method: clinical testing. Allele origin: germline. Affected: yes.

Eurofins Ntd Llc (ga)
Classification: Uncertain significance. Last evaluated: 2017-09-15. Review status: criteria provided, single submitter. Criteria: EGL Classification Definitions 2015. Collection method: clinical testing. Allele origin: germline. Observed: 10 variant alleles, 10 heterozygotes.

PreventionGenetics, part of Exact Sciences
Classification: Likely benign for PLEC-related condition. Last evaluated: 2020-08-10. Review status: no assertion criteria provided. Collection method: clinical testing. Allele origin: germline. Not counted in ClinVar's aggregate classification.
Comment: This variant is classified as likely benign based on ACMG/AMP sequence variant interpretation guidelines (Richards et al. 2015 PMID: 25741868, with internal and published modifications).